The following is an entry in ClinVar:

NM_001148.6(ANK2):c.2204C>T (p.Ala735Val)

Gene: ANK2 (ankyrin 2; plus strand). Cytogenetic location: 4q26.
Variant type: single nucleotide variant.
Coding change: c.2204C>T on transcript NM_001148.6 (MANE Select); coding-DNA position 2204, C replaced by T.
Protein change: p.Ala735Val; replaces alanine 735 with valine.
Molecular consequence: missense variant.
Genome position (GRCh38, 1-based): chr4:113,288,413, C>T. VCF-style: chr4-113288413-C-T. GRCh37 (hg19) VCF-style: chr4-114209569-C-T.
Other names: c.2141C>T, p.Ala714Val (NM_001127493.3, NM_001354243.2, NM_001354244.2 and 10 more transcripts); c.2204C>T, p.Ala735Val (NM_001354225.2, NM_001354246.2, NM_020977.5 and 6 more transcripts); c.2249C>T, p.Ala750Val (NM_001354242.2, NM_001386152.1, NM_001354230.2 and 5 more transcripts); c.2105C>T, p.Ala702Val (NM_001354245.2, NM_001354268.2); c.2117C>T, p.Ala706Val (NM_001354249.2, NM_001354267.2, NM_001354274.2 and 10 more transcripts); c.2042C>T, p.Ala681Val (NM_001354253.2, NM_001354270.2, NM_001386156.1 and 1 more transcripts); c.1994C>T, p.Ala665Val (NM_001354269.3); c.2018C>T, p.Ala673Val (NM_001354271.2, NM_001386151.1, NM_001354260.2); and 8 more; short protein forms A714V, A735V, A640V, A669V, A673V, A750V, A706V, A665V.
Identifiers: ClinVar variation 576115 (VCV000576115.9), dbSNP rs868661838, ClinGen allele CA103792731.
Genomic context (GRCh38, chr4:113,288,413, plus strand): 5'-TTTATCTATTTTTAACTTTTTATTATTATTTACAGCTTGGTTACACACCTTTAATTGTGG[C>T]CTGTCACTATGGAAATGTGAAAATGGTCAACTTTCTTCTGAAGCAGGGAGCAAATGTTAA-3'
Protein context (NP_001139.3, residues 725-745): TKLGYTPLIV[Ala735Val]CHYGNVKMVN

ClinVar aggregate classification (germline): Uncertain significance. Review status: criteria provided, multiple submitters, no conflicts (2 of 4 stars). 4 submissions from 4 submitters: Uncertain significance (4). Last evaluated 2026-04-27.

Conditions:
Cardiovascular phenotype. Identifiers: MedGen CN230736.
Long QT syndrome (LQTS). Identifiers: MedGen C0023976, MeSH D008133, MONDO:0002442. Disease mechanism: loss of function. Inheritance: Various modes of inheritance.

Allele frequency attached by ClinVar (database versions not stated): gnomAD exomes below 0.00001; TOPMed below 0.00001.
gnomAD v4.1: 3 of 1,613,826 alleles (0.00019%); highest among the groups gnomAD compares: African/African-American, 0.004%; no homozygotes.

Submissions (4):

Women's Health and Genetics/Laboratory Corporation of America, LabCorp
Classification: Uncertain significance. Last evaluated: 2026-04-27. Review status: criteria provided, single submitter. Criteria: LabCorp Variant Classification Summary - May 2015. Collection method: clinical testing. Allele origin: germline.

Labcorp Genetics (formerly Invitae), Labcorp
Classification: Uncertain significance for Long QT syndrome. Last evaluated: 2025-10-02. Review status: criteria provided, single submitter. Criteria: Invitae Variant Classification Sherloc (09022015). Collection method: clinical testing. Allele origin: germline.
Comment: This sequence change replaces alanine, which is neutral and non-polar, with valine, which is neutral and non-polar, at codon 735 of the ANK2 protein (p.Ala735Val). This variant is present in population databases (no rsID available, gnomAD 0.007%). This variant has not been reported in the literature in individuals affected with ANK2-related conditions. ClinVar contains an entry for this variant (Variation ID: 576115). Invitae Evidence Modeling of protein sequence and biophysical properties (such as structural, functional, and spatial information, amino acid conservation, physicochemical variation, residue mobility, and thermodynamic stability) indicates that this missense variant is expected to disrupt ANK2 protein function with a positive predictive value of 80%. In summary, the available evidence is currently insufficient to determine the role of this variant in disease. Therefore, it has been classified as a Variant of Uncertain Significance.

Ambry Genetics
Classification: Uncertain significance for Cardiovascular phenotype. Last evaluated: 2020-12-10. Review status: criteria provided, single submitter. Criteria: Ambry Variant Classification Scheme 2023. Collection method: clinical testing. Allele origin: germline.
Comment: The p.A735V variant (also known as c.2204C>T), located in coding exon 20 of the ANK2 gene, results from a C to T substitution at nucleotide position 2204. The alanine at codon 735 is replaced by valine, an amino acid with similar properties. This amino acid position is highly conserved in available vertebrate species. In addition, this alteration is predicted to be deleterious by in silico analysis. Since supporting evidence is limited at this time, the clinical significance of this alteration remains unclear.

Breakthrough Genomics
Classification: Uncertain significance. Review status: criteria provided, single submitter. Criteria: ACMG Guidelines, 2015. Collection method: not provided. Allele origin: germline. Inheritance: Autosomal dominant inheritance. Affected: yes.